The following is an entry in ClinVar:

ClinVar aggregate classification (germline): Uncertain significance (1 of 4 stars; one submission).

gnomAD v4.1: 2 of 1,613,674 alleles (0.00012%); highest among the groups gnomAD compares: Non-Finnish European, 0.00017%; no homozygotes.

Submission:

Labcorp Genetics (formerly Invitae), Labcorp
Classification: Uncertain significance. Last evaluated: 2025-05-24. Review status: criteria provided, single submitter. Criteria: Invitae Variant Classification Sherloc (09022015). Collection method: clinical testing. Allele origin: germline.
Comment: This sequence change replaces glycine, which is neutral and non-polar, with cysteine, which is neutral and slightly polar, at codon 656 of the WFS1 protein (p.Gly656Cys). This variant is not present in population databases (gnomAD no frequency). This variant has not been reported in the literature in individuals affected with WFS1-related conditions. Invitae Evidence Modeling of protein sequence and biophysical properties (such as structural, functional, and spatial information, amino acid conservation, physicochemical variation, residue mobility, and thermodynamic stability) indicates that this missense variant is expected to disrupt WFS1 protein function with a positive predictive value of 95%. In summary, the available evidence is currently insufficient to determine the role of this variant in disease. Therefore, it has been classified as a Variant of Uncertain Significance.

NM_006005.3(WFS1):c.1966G>T (p.Gly656Cys)

Gene: WFS1 (wolframin ER transmembrane glycoprotein; plus strand). Cytogenetic location: 4p16.1.
Variant type: single nucleotide variant.
Coding change: c.1966G>T on transcript NM_006005.3 (MANE Select); coding-DNA position 1966, G replaced by T.
Protein change: p.Gly656Cys; replaces glycine 656 with cysteine.
Molecular consequence: missense variant.
Genome position (GRCh38, 1-based): chr4:6,301,761, G>T. VCF-style: chr4-6301761-G-T. GRCh37 (hg19) VCF-style: chr4-6303488-G-T.
Other names: c.1966G>T, p.Gly656Cys (NM_001145853.1); short protein forms G656C.
Identifiers: ClinVar variation 4802688 (VCV004802688.1).